The following is an entry in ClinVar:

ClinVar aggregate classification (germline): Likely benign. Review status: criteria provided, multiple submitters, no conflicts (2 of 4 stars). 2 submissions from 2 submitters: Likely benign (2). Last evaluated 2018-12-05.

Conditions:
Bethlem myopathy 1A. Also called: Bethlem Muscular Dystrophy; Bethlem myopathy 1; MYOPATHY, BENIGN CONGENITAL, WITH CONTRACTURES. Identifiers: Orphanet 610, MedGen CN029274, MONDO:0024530, OMIM 158810.

Allele frequency attached by ClinVar (database versions not stated): gnomAD exomes below 0.00001; ExAC 0.00001.
gnomAD v4.1: 6 of 1,612,578 alleles (0.00037%); highest among the groups gnomAD compares: Admixed American, 0.0067%; no homozygotes.

Submissions (2):

Labcorp Genetics (formerly Invitae), Labcorp
Classification: Likely benign for Bethlem myopathy 1A. Last evaluated: 2018-12-05. Review status: criteria provided, single submitter. Criteria: Invitae Variant Classification Sherloc (09022015). Collection method: clinical testing. Allele origin: germline.

GeneDx
Classification: Likely benign. Last evaluated: 2018-03-22. Review status: criteria provided, single submitter. Criteria: GeneDx Variant Classification (06012015). Collection method: clinical testing. Allele origin: germline. Affected: yes.
Comment: This variant is considered likely benign or benign based on one or more of the following criteria: it is a conservative change, it occurs at a poorly conserved position in the protein, it is predicted to be benign by multiple in silico algorithms, and/or has population frequency not consistent with disease.

NM_001849.4(COL6A2):c.1521+10C>T

Gene: COL6A2 (collagen type VI alpha 2 chain; plus strand). Cytogenetic location: 21q22.3.
Variant type: single nucleotide variant.
Coding change: c.1521+10C>T on transcript NM_001849.4 (MANE Select); 10 bases into the intron after coding-DNA position 1521, C replaced by T.
Molecular consequence: intron variant.
Genome position (GRCh38, 1-based): chr21:46,121,628, C>T. VCF-style: chr21-46121628-C-T. GRCh37 (hg19) VCF-style: chr21-47541542-C-T.
Other names: c.1521+10C>T (NM_058175.3, NM_058174.3).
Identifiers: ClinVar variation 680890 (VCV000680890.11), dbSNP rs753385303, ClinGen allele CA10071925.